The following is an entry in ClinVar:

ClinVar aggregate classification (germline): Uncertain significance (1 of 4 stars; one submission).

Allele frequency attached by ClinVar (database versions not stated): gnomAD exomes below 0.00001; ExAC 0.00002.
gnomAD v4.1: 2 of 1,614,132 alleles (0.00012%); highest among the groups gnomAD compares: Non-Finnish European, 0.00017%; no homozygotes.

Submission:

Labcorp Genetics (formerly Invitae), Labcorp
Classification: Uncertain significance. Last evaluated: 2020-03-26. Review status: criteria provided, single submitter. Criteria: Invitae Variant Classification Sherloc (09022015). Collection method: clinical testing. Allele origin: germline.
Comment: This variant has not been reported in the literature in individuals with ARSG-related conditions. Algorithms developed to predict the effect of missense changes on protein structure and function output the following: SIFT: "Tolerated"; PolyPhen-2: "Benign"; Align-GVGD: "Class C0". The isoleucine amino acid residue is found in multiple mammalian species, suggesting that this missense change does not adversely affect protein function. These predictions have not been confirmed by published functional studies and their clinical significance is uncertain. This variant is present in population databases (rs764217609, ExAC 0.003%). This sequence change replaces threonine with isoleucine at codon 462 of the ARSG protein (p.Thr462Ile). The threonine residue is weakly conserved and there is a moderate physicochemical difference between threonine and isoleucine. In summary, the available evidence is currently insufficient to determine the role of this variant in disease. Therefore, it has been classified as a Variant of Uncertain Significance.

NM_001267727.2(ARSG):c.1385C>T (p.Thr462Ile)

Genes: ARSG (arylsulfatase G; plus strand), PRKAR1A (protein kinase cAMP-dependent type I regulatory subunit alpha; plus strand). Cytogenetic location: 17q24.2.
Variant type: single nucleotide variant.
Coding change: c.1385C>T on transcript NM_001267727.2 (MANE Select); coding-DNA position 1385, C replaced by T.
Protein change: p.Thr462Ile; replaces threonine 462 with isoleucine.
Molecular consequence: missense variant. On other transcripts: intron variant (3).
Genome position (GRCh38, 1-based): chr17:68,420,270, C>T. VCF-style: chr17-68420270-C-T. GRCh37 (hg19) VCF-style: chr17-66416411-C-T.
Other names: c.1303+18820C>T (NM_001352910.2); c.1255+18820C>T (NM_001352909.2); c.-7+6475C>T (NM_001278433.2); c.1385C>T, p.Thr462Ile (NM_001352899.2, NM_001352900.2, NM_001352901.2 and 2 more transcripts); c.1382C>T, p.Thr461Ile (NM_001352903.2, NM_001352904.2, NM_001352905.2 and 2 more transcripts); short protein forms T461I, T462I.
Identifiers: ClinVar variation 1037926 (VCV001037926.9), dbSNP rs764217609, ClinGen allele CA8728573.
Genomic context (GRCh38, chr17:68,420,270, plus strand): 5'-GGAGCACGGGGCCTGAGCTGCAGCATAAGTTTCCTCTGATTTTCAACCTGGAAGACGATA[C>T]CGCAGAAGCTGTGCCCCTAGAAAGAGGTGGTGCGGAGTACCAGGCTGTGCTGCCCGAGGT-3'
Protein context (NP_001254656.1, residues 452-472): FPLIFNLEDD[Thr462Ile]AEAVPLERGG